The following is an entry in ClinVar:

NM_000254.3(MTR):c.573dup (p.Leu192fs)

Gene: MTR (5-methyltetrahydrofolate-homocysteine methyltransferase; plus strand). Cytogenetic location: 1q43.
Variant type: Duplication.
Coding change: c.573dup on transcript NM_000254.3 (MANE Select); coding-DNA position 573, one base duplicated (A; older notation c.573dupA).
Protein change: p.Leu192fs; shifts the reading frame from leucine 192.
Molecular consequence: frameshift variant. On other transcripts: 5 prime UTR variant (1).
Genome position (GRCh38, 1-based): chr1:236,812,808, A duplicated. VCF-style (leftmost placement, unchanged base first): chr1-236812807-T-TA. GRCh37 (hg19) VCF-style: chr1-236976107-T-TA.
Other names: c.573dup, p.Leu192fs (NM_001291939.1, NM_001410942.1); c.-536dup (NM_001291940.2); short protein forms L192fs.
Identifiers: ClinVar variation 2973136 (VCV002973136.3), dbSNP rs2527889197, ClinGen allele CA2651185107.

ClinVar aggregate classification (germline): Pathogenic (1 of 4 stars; one submission).

Conditions:
Methylcobalamin deficiency type cblG (HMAG). Also called: HOMOCYSTINURIA-MEGALOBLASTIC ANEMIA, cblG COMPLEMENTATION TYPE; Functional methionine synthase deficiency type cblG; HOMOCYSTINURIA-MEGALOBLASTIC ANEMIA DUE TO DEFECT IN COBALAMIN METABOLISM, cblG COMPLEMENTATION TYPE; HOMOCYSTINURIA-MEGALOBLASTIC ANEMIA, cblG TYPE. Identifiers: Orphanet 2170, Orphanet 622, MedGen C1855128, MONDO:0009609, OMIM 250940.

Allele frequency attached by ClinVar (database versions not stated): gnomAD exomes below 0.00001.

Submission:

Labcorp Genetics (formerly Invitae), Labcorp
Classification: Pathogenic for Methylcobalamin deficiency type cblG. Last evaluated: 2023-04-20. Review status: criteria provided, single submitter. Criteria: Invitae Variant Classification Sherloc (09022015). Collection method: clinical testing. Allele origin: germline.
Comment: For these reasons, this variant has been classified as Pathogenic. This variant has not been reported in the literature in individuals affected with MTR-related conditions. This variant is not present in population databases (gnomAD no frequency). This sequence change creates a premature translational stop signal (p.Leu192Thrfs*3) in the MTR gene. It is expected to result in an absent or disrupted protein product. Loss-of-function variants in MTR are known to be pathogenic (PMID: 9683607, 12068375).

Literature cited by the submitters: PubMed 9683607; PubMed 12068375.